The following is an entry in ClinVar:

NM_145290.4(ADGRA3):c.2660T>C (p.Ile887Thr)

Gene: ADGRA3 (adhesion G protein-coupled receptor A3; minus strand). Cytogenetic location: 4p15.2.
Variant type: single nucleotide variant.
Coding change: c.2660T>C on transcript NM_145290.4 (MANE Select); coding-DNA position 2660, T replaced by C.
Protein change: p.Ile887Thr; replaces isoleucine 887 with threonine.
Molecular consequence: missense variant.
Genome position (GRCh38, 1-based): chr4:22,389,151, A>G on the plus strand (T>C on the coding strand, the complement: ADGRA3 is on the minus strand). VCF-style: chr4-22389151-A-G. GRCh37 (hg19) VCF-style: chr4-22390774-A-G.
Other names: short protein forms I887T.
Identifiers: ClinVar variation 1939750 (VCV001939750.5), dbSNP rs758176633, ClinGen allele CA2873566.
Genomic context (GRCh38, chr4:22,389,151, plus strand): 5'-GGTGCGTTTGGCCGACTGCCGTAATTCTTAATGTTCGCTGCTGCAGTTATGCCGCAAACA[A>G]TGATGGGGATACCACCACCAATCAGGTAAAATCTAGAAGGAGGAATCACAGGAAAAACCA-3'
Protein context (NP_660333.2, residues 877-897): FYLIGGGIPI[Ile887Thr]VCGITAAANI

ClinVar aggregate classification (germline): Uncertain significance (1 of 4 stars; one submission).

Allele frequency attached by ClinVar (database versions not stated): TOPMed below 0.00001; ExAC 0.00001; gnomAD exomes 0.00001.
gnomAD v4.1: 3 of 1,613,960 alleles (0.00019%); highest among the groups gnomAD compares: Admixed American, 0.005%; no homozygotes.

Submission:

Labcorp Genetics (formerly Invitae), Labcorp
Classification: Uncertain significance. Last evaluated: 2025-03-24. Review status: criteria provided, single submitter. Criteria: Invitae Variant Classification Sherloc (09022015). Collection method: clinical testing. Allele origin: germline.
Comment: This sequence change replaces isoleucine, which is neutral and non-polar, with threonine, which is neutral and polar, at codon 887 of the ADGRA3 protein (p.Ile887Thr). This variant is present in population databases (rs758176633, gnomAD 0.006%). This variant has not been reported in the literature in individuals affected with ADGRA3-related conditions. ClinVar contains an entry for this variant (Variation ID: 1939750). An algorithm developed to predict the effect of missense changes on protein structure and function (PolyPhen-2) suggests that this variant is likely to be disruptive. In summary, the available evidence is currently insufficient to determine the role of this variant in disease. Therefore, it has been classified as a Variant of Uncertain Significance.